The following is an entry in ClinVar:

ClinVar aggregate classification (germline): Uncertain significance. Review status: criteria provided, single submitter (1 of 4 stars). 2 submissions from 2 submitters: Uncertain significance (1). 1 of the submissions does not count toward it. Last evaluated 2020-08-22.

Conditions:
SDHD-related disorder. Also called: SDHD-related condition.
Pheochromocytoma. Also called: MAX-Related Hereditary Paraganglioma-Pheochromocytoma Syndrome. Identifiers: Orphanet 29072, MedGen C0031511, MONDO:0008233, OMIM 171300, HP:0002666.
Carney-Stratakis syndrome. Also called: PARAGANGLIOMA AND GASTROINTESTINAL STROMAL TUMOR. Identifiers: Orphanet 97286, MedGen C1847319, MONDO:0011740, OMIM 606864.
Cowden syndrome 3 (CWS3). Identifiers: Orphanet 201, MedGen CN166604, MONDO:0014045.
Paragangliomas with sensorineural hearing loss. Identifiers: MedGen C1868633.

gnomAD v4.1: 3 of 1,614,190 alleles (0.00019%); highest among the groups gnomAD compares: Non-Finnish European, 0.00025%; no homozygotes.

Submissions (2):

Labcorp Genetics (formerly Invitae), Labcorp
Classification: Uncertain significance for Carney-Stratakis syndrome; Paragangliomas with sensorineural hearing loss; Pheochromocytoma; Cowden syndrome 3. Last evaluated: 2020-08-22. Review status: criteria provided, single submitter. Criteria: Invitae Variant Classification Sherloc (09022015). Collection method: clinical testing. Allele origin: germline.
Comment: This sequence change replaces glycine with arginine at codon 16 of the SDHD protein (p.Gly16Arg). The glycine residue is weakly conserved and there is a moderate physicochemical difference between glycine and arginine. This variant is not present in population databases (ExAC no frequency). This variant has not been reported in the literature in individuals with SDHD-related disease. Algorithms developed to predict the effect of missense changes on protein structure and function (SIFT, PolyPhen-2, Align-GVGD) all suggest that this variant is likely to be tolerated, but these predictions have not been confirmed by published functional studies and their clinical significance is uncertain. In summary, the available evidence is currently insufficient to determine the role of this variant in disease. Therefore, it has been classified as a Variant of Uncertain Significance.

PreventionGenetics, part of Exact Sciences
Classification: Uncertain significance for SDHD-related condition. Last evaluated: 2024-07-23. Review status: no assertion criteria provided. Collection method: clinical testing. Allele origin: germline. Not counted in ClinVar's aggregate classification.
Comment: The SDHD c.46G>C variant is predicted to result in the amino acid substitution p.Gly16Arg. To our knowledge, this variant has not been reported in the literature or in gnomAD, indicating this variant is rare. This variant is classified as a variant of uncertain significance in ClinVar. At this time, the clinical significance of this variant is uncertain due to the absence of conclusive functional and genetic evidence.

NM_003002.4(SDHD):c.46G>C (p.Gly16Arg)

Genes: SDHD (succinate dehydrogenase complex subunit D; plus strand), LOC126861339 (BRD4-independent group 4 enhancer GRCh37_chr11:111957035-111958234; plus strand). Cytogenetic location: 11q23.1.
Variant type: single nucleotide variant.
Coding change: c.46G>C on transcript NM_003002.4 (MANE Select); coding-DNA position 46, G replaced by C.
Protein change: p.Gly16Arg; replaces glycine 16 with arginine.
Molecular consequence: missense variant. On other transcripts: non-coding transcript variant (1).
Genome position (GRCh38, 1-based): chr11:112,086,953, G>C. VCF-style: chr11-112086953-G-C. GRCh37 (hg19) VCF-style: chr11-111957677-G-C.
Other names: c.46G>C, p.Gly16Arg (NM_001276503.2, NM_001276504.2, NM_001276506.2); short protein forms G16R.
Identifiers: ClinVar variation 465241 (VCV000465241.7), dbSNP rs1555186687, ClinGen allele CA382616749.